The following is an entry in ClinVar:

ClinVar aggregate classification (germline): Uncertain significance (1 of 4 stars; one submission).

Submission:

GeneDx
Classification: Uncertain significance. Last evaluated: 2024-10-10. Review status: criteria provided, single submitter. Criteria: GeneDx Variant Classification Process June 2021. Collection method: clinical testing. Allele origin: germline. Affected: yes.
Comment: Not observed at significant frequency in large population cohorts (gnomAD); Has not been previously published as pathogenic or benign to our knowledge; In silico analysis is inconclusive as to whether the variant alters gene splicing. In the absence of RNA/functional studies, the actual effect of this sequence change is unknown.

NM_000552.5(VWF):c.7887+5G>A

Gene: VWF (von Willebrand factor; minus strand). Cytogenetic location: 12p13.31.
Variant type: single nucleotide variant.
Coding change: c.7887+5G>A on transcript NM_000552.5 (MANE Select); 5 bases into the intron after coding-DNA position 7887, G replaced by A.
Molecular consequence: intron variant.
Genome position (GRCh38, 1-based): chr12:5,967,481, C>T on the plus strand (G>A on the coding strand, the complement: VWF is on the minus strand). VCF-style: chr12-5967481-C-T. GRCh37 (hg19) VCF-style: chr12-6076647-C-T.
Identifiers: ClinVar variation 3777656 (VCV003777656.1).